The following is an entry in ClinVar:

ClinVar aggregate classification (germline): Conflicting classifications of pathogenicity. Review status: criteria provided, conflicting classifications (1 of 4 stars). 8 submissions from 8 submitters: Uncertain significance (2); Likely benign (4). 2 of the submissions do not count toward it. Last evaluated 2026-06-01.

Conditions:
KIF7-related disorder. Also called: KIF7-related condition.
Acrocallosal syndrome (ACLS). Also called: Schinzel syndrome 1; Absence of corpus callosum with unusual facial appearance, mental deficiency, duplication of the halluces and polydactyly; HALLUX DUPLICATION, POSTAXIAL POLYDACTYLY, AND ABSENCE OF CORPUS CALLOSUM. Identifiers: Orphanet 36, MedGen C0796147, MONDO:0008708, OMIM 200990.
Intellectual disability. Also called: Intellectual developmental disorder; Intellectual functioning disability; intellectual disabilities. Identifiers: MedGen C3714756, MeSH D008607, MONDO:0001071, HP:0001249.

Allele frequency attached by ClinVar (database versions not stated): 1000 Genomes Project 0.00100; ESP Exome Variant Server 0.00124; gnomAD 0.00150; 1000 Genomes Project 30x 0.00156; TOPMed 0.00158.
gnomAD v4.1: 624 of 1,609,876 alleles (0.039%); highest among the groups gnomAD compares: African/African-American, 0.49%; 2 homozygotes.

Submissions (8):

CeGaT Center for Human Genetics Tuebingen
Classification: Likely benign. Last evaluated: 2026-06-01. Review status: criteria provided, single submitter. Criteria: CeGaT Center For Human Genetics Tuebingen Variant Classification Criteria Version 2. Collection method: clinical testing. Allele origin: germline. Affected: yes. Observed: 2 variant alleles.
Comment: KIF7: BP4

Labcorp Genetics (formerly Invitae), Labcorp
Classification: Likely benign for Acrocallosal syndrome. Last evaluated: 2026-01-25. Review status: criteria provided, single submitter. Criteria: Invitae Variant Classification Sherloc (09022015). Collection method: clinical testing. Allele origin: germline.

Blueprint Genetics
Classification: Likely benign. Last evaluated: 2024-07-10. Review status: criteria provided, single submitter. Criteria: ACMG Guidelines, 2015. Collection method: clinical testing. Allele origin: germline.

GeneDx
Classification: Likely benign. Last evaluated: 2021-04-29. Review status: criteria provided, single submitter. Criteria: GeneDx Variant Classification Process June 2021. Collection method: clinical testing. Allele origin: germline. Affected: yes.

Illumina Laboratory Services, Illumina
Classification: Uncertain significance for Acrocallosal syndrome. Last evaluated: 2017-04-28. Review status: criteria provided, single submitter. Criteria: ICSL Variant Classification Criteria 13 December 2019. Collection method: clinical testing. Allele origin: germline.
Comment: This variant was observed as part of a predisposition screen in an ostensibly healthy population. A literature search was performed for the gene, cDNA change, and amino acid change (where applicable). Publications were found based on this search. However, the evidence from the literature, in combination with allele frequency data from public databases where available, was not sufficient to rule this variant in or out of causing disease. Therefore, this variant is classified as a variant of unknown significance.

Eurofins Ntd Llc (ga)
Classification: Uncertain significance. Last evaluated: 2017-02-08. Review status: criteria provided, single submitter. Criteria: EGL Classification Definitions 2015. Collection method: clinical testing. Allele origin: germline. Observed: 4 variant alleles, 4 heterozygotes.

PreventionGenetics, part of Exact Sciences
Classification: Likely benign for KIF7-related condition. Last evaluated: 2022-04-17. Review status: no assertion criteria provided. Collection method: clinical testing. Allele origin: germline. Not counted in ClinVar's aggregate classification.
Comment: This variant is classified as likely benign based on ACMG/AMP sequence variant interpretation guidelines (Richards et al. 2015 PMID: 25741868, with internal and published modifications).

Centre de Biologie Pathologie Génétique, Centre Hospitalier Universitaire de Lille
Classification: Likely benign for Intellectual disability. Last evaluated: 2019-01-01. Review status: no assertion criteria provided. Collection method: clinical testing. Allele origin: inherited. Affected: yes. Not counted in ClinVar's aggregate classification.

Literature cited by the submitters: PubMed 21633164 (cited by Illumina Laboratory Services, Illumina).

NM_198525.3(KIF7):c.3998C>A (p.Pro1333Gln)

Gene: KIF7 (kinesin family member 7; minus strand). Cytogenetic location: 15q26.1.
Variant type: single nucleotide variant.
Coding change: c.3998C>A on transcript NM_198525.3 (MANE Select); coding-DNA position 3998, C replaced by A.
Protein change: p.Pro1333Gln; replaces proline 1333 with glutamine.
Molecular consequence: missense variant.
Genome position (GRCh38, 1-based): chr15:89,628,453, G>T on the plus strand (C>A on the coding strand, the complement: KIF7 is on the minus strand). VCF-style: chr15-89628453-G-T. GRCh37 (hg19) VCF-style: chr15-90171684-G-T.
Other names: short protein forms P1333Q.
Identifiers: ClinVar variation 194996 (VCV000194996.32), dbSNP rs145726393, ClinGen allele CA020398.
Genomic context (GRCh38, chr15:89,628,453, plus strand): 5'-TCCAAGGCAGGGTCTGCCCCGAGGGCTTACAGGGGGTTTTTCCGGACATCAATCATCCCC[G>T]GGCTGGCTCGTCGCAGTTCCCGCCGGGGCTTGGACAAAGGCCCAAAGTTCCAGGGCAGGC-3'
Protein context (NP_940927.2, residues 1323-1343): KPRRELRRAS[Pro1333Gln]GMIDVRKNPL